The following is an entry in ClinVar:

NM_005228.5(EGFR):c.2928G>C (p.Gln976His)

Gene: EGFR (epidermal growth factor receptor; plus strand). Cytogenetic location: 7p11.2.
Variant type: single nucleotide variant.
Coding change: c.2928G>C on transcript NM_005228.5 (MANE Select); coding-DNA position 2928, G replaced by C.
Protein change: p.Gln976His; replaces glutamine 976 with histidine.
Molecular consequence: missense variant.
Genome position (GRCh38, 1-based): chr7:55,200,395, G>C. VCF-style: chr7-55200395-G-C. GRCh37 (hg19) VCF-style: chr7-55268088-G-C.
Other names: c.2793G>C, p.Gln931His (NM_001346897.2, NM_001346899.2); c.2928G>C, p.Gln976His (NM_001346898.2); c.2769G>C, p.Gln923His (NM_001346900.2); c.2127G>C, p.Gln709His (NM_001346941.2); short protein forms Q923H, Q931H, Q976H, Q709H.
Identifiers: ClinVar variation 4638827 (VCV004638827.1).

ClinVar aggregate classification (germline): Uncertain significance (1 of 4 stars; one submission).

Conditions:
Hereditary cancer-predisposing syndrome. Also called: Neoplastic Syndromes, Hereditary; Tumor predisposition; Hereditary Cancer Syndrome; Hereditary neoplastic syndrome. Identifiers: Orphanet 140162, MedGen C0027672, MeSH D009386, MONDO:0015356.

Submission:

Ambry Genetics
Classification: Uncertain significance for Hereditary cancer-predisposing syndrome. Last evaluated: 2025-10-09. Review status: criteria provided, single submitter. Criteria: Ambry Variant Classification Scheme 2023. Collection method: clinical testing. Allele origin: germline.
Comment: The p.Q976H variant (also known as c.2928G>C), located in coding exon 24 of the EGFR gene, results from a G to C substitution at nucleotide position 2928. The glutamine at codon 976 is replaced by histidine, an amino acid with highly similar properties. This amino acid position is conserved. In addition, this alteration is predicted to be tolerated by in silico analysis. Based on the available evidence, the clinical significance of this variant remains unclear.